The following is an entry in ClinVar:

ClinVar aggregate classification (germline): Likely pathogenic (1 of 4 stars; one submission).

Conditions:
Deafness-lymphedema-leukemia syndrome. Also called: Emberger syndrome; Lymphedema, primary, with myelodysplasia. Identifiers: Orphanet 3226, MedGen C3279664, MONDO:0013540, OMIM 614038.
GATA2 deficiency with susceptibility to MDS/AML. Identifiers: MedGen CN300066, MONDO:0042982.

Submission:

Molecular Pathology Research Laboratory, SA Pathology
Classification: Likely pathogenic for GATA2 deficiency with susceptibility to MDS/AML; Deafness-lymphedema-leukemia syndrome. Last evaluated: 2021-07-06. Review status: criteria provided, single submitter. Criteria: ACMG Guidelines, 2015. Collection method: curation. Allele origin: germline. Inheritance: Autosomal dominant inheritance. Affected: yes. Observed: 2 variant alleles.
Comment: PS3_Supporting, PS4_Moderate, PM2, PM4

Literature cited by the submitters: PubMed 32286542.

NM_032638.5(GATA2):c.1034_1035insTCTTCTTGTGGCGGCTCTTCTGGCGGC (p.Ala345_Gly346insLeuLeuValAlaAlaLeuLeuAlaAla)

Gene: GATA2 (GATA binding protein 2; minus strand). Cytogenetic location: 3q21.3.
Variant type: Microsatellite.
Coding change: c.1034_1035insTCTTCTTGTGGCGGCTCTTCTGGCGGC on transcript NM_032638.5 (MANE Select); coding-DNA positions 1034 to 1035, TCTTCTTGTGGCGGCTCTTCTGGCGGC inserted.
Protein change: p.Ala345_Gly346insLeuLeuValAlaAlaLeuLeuAlaAla.
Molecular consequence: inframe insertion. On other transcripts: intron variant (1).
Genome position: GRCh38 VCF-style: chr3-128481927-G-GGCCGCCAGAAGAGCCGCCACAAGAAGA. GRCh37 (hg19) VCF-style: chr3-128200770-G-GGCCGCCAGAAGAGCCGCCACAAGAAGA.
Other names: c.1034_1035insTCTTCTTGTGGCGGCTCTTCTGGCGGC, p.Ala345_Gly346insLeuLeuValAlaAlaLeuLeuAlaAla (NM_001145661.2); c.1018-26_1018-25insGCTCTTCTTGTGGCGGCTCTTCTGGCG (NM_001145662.1).
Identifiers: ClinVar variation 1184020 (VCV001184020.1), dbSNP rs2107668794.